The following is an entry in ClinVar:

ClinVar aggregate classification (germline): Uncertain significance (1 of 4 stars; one submission).

Submission:

GeneDx
Classification: Uncertain significance. Last evaluated: 2024-07-18. Review status: criteria provided, single submitter. Criteria: GeneDx Variant Classification Process June 2021. Collection method: clinical testing. Allele origin: germline. Affected: yes.
Comment: Not observed at significant frequency in large population cohorts (gnomAD); In silico analysis supports that this missense variant has a deleterious effect on protein structure/function; Has not been previously published as pathogenic or benign to our knowledge

NM_004541.4(NDUFA1):c.59G>A (p.Gly20Glu)

Genes: NDUFA1 (NADH:ubiquinone oxidoreductase subunit A1; plus strand), LOC130068621 (ATAC-STARR-seq lymphoblastoid active region 29902; plus strand). Cytogenetic location: Xq24.
Variant type: single nucleotide variant.
Coding change: c.59G>A on transcript NM_004541.4 (MANE Select); coding-DNA position 59, G replaced by A.
Protein change: p.Gly20Glu; replaces glycine 20 with glutamic acid.
Molecular consequence: missense variant.
Genome position (GRCh38, 1-based): chrX:119,871,970, G>A. VCF-style: chrX-119871970-G-A. GRCh37 (hg19) VCF-style: chrX-119005933-G-A.
Other names: short protein forms G20E.
Identifiers: ClinVar variation 3573796 (VCV003573796.1).